The following is an entry in ClinVar:

ClinVar aggregate classification (germline): Uncertain significance (1 of 4 stars; one submission).

Submission:

GeneDx
Classification: Uncertain significance. Last evaluated: 2024-07-23. Review status: criteria provided, single submitter. Criteria: GeneDx Variant Classification Process June 2021. Collection method: clinical testing. Allele origin: germline. Affected: yes.
Comment: Not observed at significant frequency in large population cohorts (gnomAD); In silico analysis indicates that this missense variant does not alter protein structure/function; Has not been previously published as pathogenic or benign to our knowledge

NM_013450.4(BAZ2B):c.2188C>A (p.His730Asn)

Gene: BAZ2B (bromodomain adjacent to zinc finger domain 2B; minus strand). Cytogenetic location: 2q24.2.
Variant type: single nucleotide variant.
Coding change: c.2188C>A on transcript NM_013450.4 (MANE Select); coding-DNA position 2188, C replaced by A.
Protein change: p.His730Asn; replaces histidine 730 with asparagine.
Molecular consequence: missense variant.
Genome position (GRCh38, 1-based): chr2:159,430,869, G>T on the plus strand (C>A on the coding strand, the complement: BAZ2B is on the minus strand). VCF-style: chr2-159430869-G-T. GRCh37 (hg19) VCF-style: chr2-160287380-G-T.
Other names: c.2182C>A, p.His728Asn (NM_001289975.1); c.1999C>A, p.His667Asn (NM_001329857.2); c.2188C>A, p.His730Asn (NM_001329858.2); short protein forms H667N, H728N, H730N.
Identifiers: ClinVar variation 3600938 (VCV003600938.1).